The following is an entry in ClinVar:

NM_000044.6(AR):c.2042T>C (p.Ile681Thr)

Gene: AR (androgen receptor; plus strand). Cytogenetic location: Xq12.
Variant type: single nucleotide variant.
Coding change: c.2042T>C on transcript NM_000044.6 (MANE Select); coding-DNA position 2042, T replaced by C.
Protein change: p.Ile681Thr; replaces isoleucine 681 with threonine.
Molecular consequence: missense variant.
Genome position (GRCh38, 1-based): chrX:67,711,558, T>C. VCF-style: chrX-67711558-T-C. GRCh37 (hg19) VCF-style: chrX-66931400-T-C.
Other names: c.446T>C, p.Ile149Thr (NM_001011645.3); short protein forms I149T, I681T.
Identifiers: ClinVar variation 2138584 (VCV002138584.4), dbSNP rs2076093998, ClinGen allele CA413423285.

ClinVar aggregate classification (germline): Uncertain significance (1 of 4 stars; one submission).

Conditions:
Androgen resistance syndrome (AIS). Also called: Androgen insensitivity syndrome; Androgen insensitivity syndrome due to coactivator deficiency; DHTR DEFICIENCY; ANDROGEN RECEPTOR DEFICIENCY; DIHYDROTESTOSTERONE RECEPTOR DEFICIENCY; Androgen insensitivity, complete. Identifiers: Orphanet 754, Orphanet 99429, MedGen C0039585, MONDO:0019154, OMIM 300068. Disease mechanism: loss of function.
Kennedy disease (SMAX1). Also called: Spinal and Bulbar Muscular Atrophy; SPINAL AND BULBAR MUSCULAR ATROPHY, X-LINKED 1; KENNEDY SPINAL AND BULBAR MUSCULAR ATROPHY. Identifiers: Orphanet 481, MedGen C1839259, MONDO:0010735, OMIM 313200.

Submission:

Labcorp Genetics (formerly Invitae), Labcorp
Classification: Uncertain significance for Kennedy disease; Androgen resistance syndrome. Last evaluated: 2022-03-30. Review status: criteria provided, single submitter. Criteria: Invitae Variant Classification Sherloc (09022015). Collection method: clinical testing. Allele origin: germline.
Comment: This missense change has been observed in individual(s) with androgen insensitivity syndrome (PMID: 15925895, 22334387). In summary, the available evidence is currently insufficient to determine the role of this variant in disease. Therefore, it has been classified as a Variant of Uncertain Significance. This variant disrupts the p.Ile681 amino acid residue in AR. Other variant(s) that disrupt this residue have been observed in individuals with AR-related conditions (PMID: 20150575), which suggests that this may be a clinically significant amino acid residue. Algorithms developed to predict the effect of missense changes on protein structure and function are either unavailable or do not agree on the potential impact of this missense change (SIFT: "Deleterious"; PolyPhen-2: "Probably Damaging"; Align-GVGD: "Class C0"). This variant is also known as c.2401T>C (p.Ile680Thr). This variant is not present in population databases (gnomAD no frequency). This sequence change replaces isoleucine, which is neutral and non-polar, with threonine, which is neutral and polar, at codon 681 of the AR protein (p.Ile681Thr).

Literature cited by the submitters: PubMed 15925895; PubMed 22334387; PubMed 20150575.